The following is an entry in ClinVar:

ClinVar aggregate classification (germline): Uncertain significance (1 of 4 stars; one submission).

Allele frequency attached by ClinVar (database versions not stated): gnomAD 0.00001 and 0.00002; TOPMed 0.00003.

Submission:

GeneDx
Classification: Uncertain significance. Last evaluated: 2020-10-13. Review status: criteria provided, single submitter. Criteria: GeneDx Variant Classification Process June 2021. Collection method: clinical testing. Allele origin: germline. Affected: yes.
Comment: Not observed in large population cohorts (Lek et al., 2016); In silico analysis supports that this missense variant does not alter protein structure/function; Has not been previously published as pathogenic or benign to our knowledge

NM_015267.4(CUX2):c.2608G>A (p.Ala870Thr)

Gene: CUX2 (cut like homeobox 2; plus strand). Cytogenetic location: 12q24.12.
Variant type: single nucleotide variant.
Coding change: c.2608G>A on transcript NM_015267.4 (MANE Select); coding-DNA position 2608, G replaced by A.
Protein change: p.Ala870Thr; replaces alanine 870 with threonine.
Molecular consequence: missense variant.
Genome position (GRCh38, 1-based): chr12:111,320,617, G>A. VCF-style: chr12-111320617-G-A. GRCh37 (hg19) VCF-style: chr12-111758421-G-A.
Other names: c.2422G>A, p.Ala808Thr (NM_001370598.1); short protein forms A808T, A870T.
Identifiers: ClinVar variation 1313287 (VCV001313287.2), dbSNP rs972226357, ClinGen allele CA243579012.
Genomic context (GRCh38, chr12:111,320,617, plus strand): 5'-GGCGAGCTCAAGGCTGAGGGCGCGACGGCCGAGGCGGGCGCGCGGCTGCCCTACTACCCG[G>A]CCTACGTGCCGCGCACCCTGAAGCCCACCGTGCCGCCGCTGACCCCCGAGCAGTACGAGC-3'
Protein context (NP_056082.2, residues 860-880): EAGARLPYYP[Ala870Thr]YVPRTLKPTV